The following is an entry in ClinVar:

ClinVar aggregate classification (germline): Likely benign (0 of 4 stars; one submission).

Conditions:
SEMA3B-related disorder. Also called: SEMA3B-related condition.

Submission:

PreventionGenetics, part of Exact Sciences
Classification: Likely benign for SEMA3B-related condition. Last evaluated: 2022-11-08. Review status: no assertion criteria provided. Collection method: clinical testing. Allele origin: germline.
Comment: This variant is classified as likely benign based on ACMG/AMP sequence variant interpretation guidelines (Richards et al. 2015 PMID: 25741868, with internal and published modifications).

NM_001290060.2(SEMA3B):c.36C>A (p.Gly12=)

Gene: SEMA3B (semaphorin 3B; plus strand). Cytogenetic location: 3p21.31.
Variant type: single nucleotide variant.
Coding change: c.36C>A on transcript NM_001290060.2 (MANE Select); coding-DNA position 36, C replaced by A.
Protein change: p.Gly12=; no amino-acid change (glycine 12 retained).
Molecular consequence: synonymous variant.
Genome position (GRCh38, 1-based): chr3:50,269,276, C>A. VCF-style: chr3-50269276-C-A. GRCh37 (hg19) VCF-style: chr3-50306708-C-A.
Other names: c.36C>A, p.Gly12= (NM_001005914.3, NM_001290061.1, NM_004636.4).
Identifiers: ClinVar variation 3353550 (VCV003353550.1).